The following is an entry in ClinVar:

NM_018941.4(CLN8):c.59C>G (p.Ser20Cys)

Gene: CLN8 (CLN8 transmembrane ER and ERGIC protein; plus strand). Cytogenetic location: 8p23.3.
Variant type: single nucleotide variant.
Coding change: c.59C>G on transcript NM_018941.4 (MANE Select); coding-DNA position 59, C replaced by G.
Protein change: p.Ser20Cys; replaces serine 20 with cysteine.
Molecular consequence: missense variant.
Genome position (GRCh38, 1-based): chr8:1,771,113, C>G. VCF-style: chr8-1771113-C-G. GRCh37 (hg19) VCF-style: chr8-1719279-C-G.
Other names: p.S20C:TCC>TGC; short protein forms S20C.
Identifiers: ClinVar variation 205203 (VCV000205203.15), dbSNP rs749651452, ClinGen allele CA314041.

ClinVar aggregate classification (germline): Uncertain significance. Review status: criteria provided, multiple submitters, no conflicts (2 of 4 stars). 6 submissions from 6 submitters: Uncertain significance (4). 2 of the submissions do not count toward it. Last evaluated 2024-10-01.

Conditions:
Neuronal ceroid lipofuscinosis 8 (CLN8). Also called: CLN8-Related Neuronal Ceroid-Lipofuscinosis. Identifiers: Orphanet 168491, Orphanet 228354, Orphanet 79264, MedGen C1838570, MONDO:0010830, OMIM 600143.
Neuronal ceroid lipofuscinosis 8 northern epilepsy variant. Also called: EPILEPSY, PROGRESSIVE, WITH MENTAL RETARDATION; NORTHERN EPILEPSY. Identifiers: Orphanet 1947, MedGen C1864923, MONDO:0012391, OMIM 610003.
Inborn genetic diseases. Identifiers: MedGen C0950123, MeSH D030342.
Neuronal ceroid lipofuscinosis. Also called: Neuronal Ceroid Lipofuscinoses. Identifiers: Orphanet 216, Orphanet 79263, MedGen C0027877, MONDO:0016295. Disease mechanism: loss of function.
Intellectual disability. Also called: Intellectual functioning disability; Intellectual developmental disorder; intellectual disabilities. Identifiers: MedGen C3714756, MeSH D008607, MONDO:0001071, HP:0001249.

Allele frequency attached by ClinVar (database versions not stated): gnomAD exomes 0.00006; ExAC 0.00007; TOPMed 0.00010; gnomAD 0.00010.
gnomAD v4.1: 80 of 1,613,890 alleles (0.005%); highest among the groups gnomAD compares: Admixed American, 0.033%; no homozygotes.

Submissions (6):

Ambry Genetics
Classification: Uncertain significance for Inborn genetic diseases. Last evaluated: 2024-10-01. Review status: criteria provided, single submitter. Criteria: Ambry Variant Classification Scheme 2023. Collection method: clinical testing. Allele origin: germline.

GeneDx
Classification: Uncertain significance. Last evaluated: 2023-10-24. Review status: criteria provided, single submitter. Criteria: GeneDx Variant Classification Process June 2021. Collection method: clinical testing. Allele origin: germline. Affected: yes.
Comment: In silico analysis supports that this missense variant does not alter protein structure/function; Has not been previously published as pathogenic or benign to our knowledge

Labcorp Genetics (formerly Invitae), Labcorp
Classification: Uncertain significance for Neuronal ceroid lipofuscinosis. Last evaluated: 2022-08-20. Review status: criteria provided, single submitter. Criteria: Invitae Variant Classification Sherloc (09022015). Collection method: clinical testing. Allele origin: germline.
Comment: This sequence change replaces serine, which is neutral and polar, with cysteine, which is neutral and slightly polar, at codon 20 of the CLN8 protein (p.Ser20Cys). This variant is present in population databases (rs749651452, gnomAD 0.03%). This variant has not been reported in the literature in individuals affected with CLN8-related conditions. ClinVar contains an entry for this variant (Variation ID: 205203). Algorithms developed to predict the effect of missense changes on protein structure and function are either unavailable or do not agree on the potential impact of this missense change (SIFT: "Tolerated"; PolyPhen-2: "Possibly Damaging"; Align-GVGD: "Class C0"). In summary, the available evidence is currently insufficient to determine the role of this variant in disease. Therefore, it has been classified as a Variant of Uncertain Significance.

Fulgent Genetics
Classification: Uncertain significance for Neuronal ceroid lipofuscinosis 8; Neuronal ceroid lipofuscinosis 8 northern epilepsy variant. Last evaluated: 2021-07-25. Review status: criteria provided, single submitter. Criteria: ACMG Guidelines, 2015. Collection method: clinical testing. Allele origin: unknown.

Natera, Inc.
Classification: Uncertain significance for Neuronal ceroid lipofuscinosis. Last evaluated: 2020-01-17. Review status: no assertion criteria provided. Collection method: clinical testing. Allele origin: germline. Not counted in ClinVar's aggregate classification.

Centre de Biologie Pathologie Génétique, Centre Hospitalier Universitaire de Lille
Classification: Uncertain significance for Intellectual disability. Last evaluated: 2019-01-01. Review status: no assertion criteria provided. Collection method: clinical testing. Allele origin: unknown. Affected: yes. Not counted in ClinVar's aggregate classification.